The following is an entry in ClinVar:

ClinVar aggregate classification (germline): Uncertain significance (1 of 4 stars; one submission).

Submission:

Labcorp Genetics (formerly Invitae), Labcorp
Classification: Uncertain significance. Last evaluated: 2023-11-07. Review status: criteria provided, single submitter. Criteria: Invitae Variant Classification Sherloc (09022015). Collection method: clinical testing. Allele origin: germline.
Comment: This sequence change falls in intron 19 of the EMC1 gene. It does not directly change the encoded amino acid sequence of the EMC1 protein. This variant is not present in population databases (gnomAD no frequency). This variant has not been reported in the literature in individuals affected with EMC1-related conditions. Algorithms developed to predict the effect of sequence changes on RNA splicing suggest that this variant may create or strengthen a splice site. In summary, the available evidence is currently insufficient to determine the role of this variant in disease. Therefore, it has been classified as a Variant of Uncertain Significance.

NM_015047.3(EMC1):c.2376+19G>A

Genes: EMC1 (ER membrane protein complex subunit 1; minus strand), EMC1-AS1 (EMC1 antisense RNA 1; plus strand). Cytogenetic location: 1p36.13.
Variant type: single nucleotide variant.
Coding change: c.2376+19G>A on transcript NM_015047.3 (MANE Select); 19 bases into the intron after coding-DNA position 2376, G replaced by A.
Molecular consequence: intron variant.
Genome position (GRCh38, 1-based): chr1:19,223,377, C>T on the plus strand (G>A on the coding strand, the complement: EMC1 is on the minus strand). VCF-style: chr1-19223377-C-T. GRCh37 (hg19) VCF-style: chr1-19549871-C-T.
Other names: c.2310+19G>A (NM_001271429.2); c.2373+19G>A (NM_001271427.2, NM_001271428.2); c.2382+19G>A (NM_001375821.1); c.2385+19G>A (NM_001375820.1).
Identifiers: ClinVar variation 2810236 (VCV002810236.3), dbSNP rs2536670819, ClinGen allele CA2739272341.